The following is an entry in ClinVar:

ClinVar aggregate classification (germline): Uncertain significance (1 of 4 stars; one submission).

Conditions:
Glycogen storage disease, type V (GSD5). Also called: MCARDLE DISEASE; MUSCLE GLYCOGEN PHOSPHORYLASE DEFICIENCY; MYOPHOSPHORYLASE DEFICIENCY; PYGM DEFICIENCY; McArdle type glycogen storage disease. Identifiers: Orphanet 368, MedGen C0017924, MONDO:0009293, OMIM 232600.

Allele frequency attached by ClinVar (database versions not stated): ExAC 0.00001; gnomAD 0.00003; TOPMed 0.00004.

Submission:

Labcorp Genetics (formerly Invitae), Labcorp
Classification: Uncertain significance for Glycogen storage disease, type V. Last evaluated: 2023-12-11. Review status: criteria provided, single submitter. Criteria: Invitae Variant Classification Sherloc (09022015). Collection method: clinical testing. Allele origin: germline.
Comment: This sequence change replaces alanine, which is neutral and non-polar, with threonine, which is neutral and polar, at codon 790 of the PYGM protein (p.Ala790Thr). This variant is present in population databases (rs781031847, gnomAD 0.01%). This variant has not been reported in the literature in individuals affected with PYGM-related conditions. ClinVar contains an entry for this variant (Variation ID: 2200871). Advanced modeling of protein sequence and biophysical properties (such as structural, functional, and spatial information, amino acid conservation, physicochemical variation, residue mobility, and thermodynamic stability) performed at Invitae indicates that this missense variant is not expected to disrupt PYGM protein function with a negative predictive value of 95%. In summary, the available evidence is currently insufficient to determine the role of this variant in disease. Therefore, it has been classified as a Variant of Uncertain Significance.

NM_005609.4(PYGM):c.2368G>A (p.Ala790Thr)

Gene: PYGM (glycogen phosphorylase, muscle associated; minus strand). Cytogenetic location: 11q13.1.
Variant type: single nucleotide variant.
Coding change: c.2368G>A on transcript NM_005609.4 (MANE Select); coding-DNA position 2368, G replaced by A.
Protein change: p.Ala790Thr; replaces alanine 790 with threonine.
Molecular consequence: missense variant.
Genome position (GRCh38, 1-based): chr11:64,746,932, C>T on the plus strand (G>A on the coding strand, the complement: PYGM is on the minus strand). VCF-style: chr11-64746932-C-T. GRCh37 (hg19) VCF-style: chr11-64514404-C-T.
Other names: c.2104G>A, p.Ala702Thr (NM_001164716.1); short protein forms A702T, A790T.
Identifiers: ClinVar variation 2200871 (VCV002200871.2), dbSNP rs781031847, ClinGen allele CA6079544.